The following is an entry in ClinVar:

ClinVar aggregate classification (germline): Uncertain significance. Review status: criteria provided, multiple submitters, no conflicts (2 of 4 stars). 3 submissions from 3 submitters: Uncertain significance (3). Last evaluated 2025-12-01.

Conditions:
Inborn genetic diseases. Identifiers: MedGen C0950123, MeSH D030342.
Chédiak-Higashi syndrome (CHS). Also called: Chediak-Higashi Syndrome. Identifiers: Orphanet 167, MedGen C0007965, MONDO:0008963, OMIM 214500.

Allele frequency attached by ClinVar (database versions not stated): ExAC 0.00001; TOPMed 0.00001; gnomAD 0.00002.
gnomAD v4.1: 32 of 1,609,598 alleles (0.002%); highest among the groups gnomAD compares: African/African-American, 0.004%; no homozygotes.

Submissions (3):

CeGaT Center for Human Genetics Tuebingen
Classification: Uncertain significance. Last evaluated: 2025-12-01. Review status: criteria provided, single submitter. Criteria: CeGaT Center For Human Genetics Tuebingen Variant Classification Criteria Version 2. Collection method: clinical testing. Allele origin: germline. Affected: yes. Observed: 1 variant allele.
Comment: LYST: PM2

Ambry Genetics
Classification: Uncertain significance for Inborn genetic diseases. Last evaluated: 2023-05-31. Review status: criteria provided, single submitter. Criteria: Ambry Variant Classification Scheme 2023. Collection method: clinical testing. Allele origin: germline.

Labcorp Genetics (formerly Invitae), Labcorp
Classification: Uncertain significance for Chédiak-Higashi syndrome. Last evaluated: 2021-08-31. Review status: criteria provided, single submitter. Criteria: Invitae Variant Classification Sherloc (09022015). Collection method: clinical testing. Allele origin: germline.
Comment: This sequence change replaces serine with tyrosine at codon 2457 of the LYST protein (p.Ser2457Tyr). The serine residue is moderately conserved and there is a large physicochemical difference between serine and tyrosine. This variant is present in population databases (rs764859264, ExAC 0.002%). This variant has not been reported in the literature in individuals affected with LYST-related conditions. Algorithms developed to predict the effect of missense changes on protein structure and function are either unavailable or do not agree on the potential impact of this missense change (SIFT: "Tolerated"; PolyPhen-2: "Probably Damaging"; Align-GVGD: "Class C0"). In summary, the available evidence is currently insufficient to determine the role of this variant in disease. Therefore, it has been classified as a Variant of Uncertain Significance.

NM_000081.4(LYST):c.7370C>A (p.Ser2457Tyr)

Gene: LYST (lysosomal trafficking regulator; minus strand). Cytogenetic location: 1q42.3.
Variant type: single nucleotide variant.
Coding change: c.7370C>A on transcript NM_000081.4 (MANE Select); coding-DNA position 7370, C replaced by A.
Protein change: p.Ser2457Tyr; replaces serine 2457 with tyrosine.
Molecular consequence: missense variant.
Genome position (GRCh38, 1-based): chr1:235,753,134, G>T on the plus strand (C>A on the coding strand, the complement: LYST is on the minus strand). VCF-style: chr1-235753134-G-T. GRCh37 (hg19) VCF-style: chr1-235916434-G-T.
Other names: c.7370C>A, p.Ser2457Tyr (NM_001301365.1); c.7370C>A (NM_000081.2); short protein forms S2457Y.
Identifiers: ClinVar variation 525175 (VCV000525175.12), dbSNP rs764859264, ClinGen allele CA1466155.